The following is an entry in ClinVar:

ClinVar aggregate classification (germline): Uncertain significance. Review status: criteria provided, multiple submitters, no conflicts (2 of 4 stars). 2 submissions from 2 submitters: Uncertain significance (2). Last evaluated 2024-12-21.

Allele frequency attached by ClinVar (database versions not stated): TOPMed 0.00001; ExAC 0.00003; gnomAD 0.00003; gnomAD exomes 0.00003.
gnomAD v4.1: 45 of 1,604,246 alleles (0.0028%); highest among the groups gnomAD compares: South Asian, 0.0056%; no homozygotes.

Submissions (2):

GeneDx
Classification: Uncertain significance. Last evaluated: 2024-12-21. Review status: criteria provided, single submitter. Criteria: GeneDx Variant Classification Process June 2021. Collection method: clinical testing. Allele origin: germline. Affected: yes.
Comment: In silico analysis indicates that this missense variant does not alter protein structure/function; Has not been previously published as pathogenic or benign to our knowledge

CeGaT Center for Human Genetics Tuebingen
Classification: Uncertain significance. Last evaluated: 2024-06-01. Review status: criteria provided, single submitter. Criteria: CeGaT Center For Human Genetics Tuebingen Variant Classification Criteria Version 2. Collection method: clinical testing. Allele origin: germline. Affected: yes. Observed: 1 variant allele.
Comment: PTPN23: PM2

NM_015466.4(PTPN23):c.2507G>A (p.Arg836Gln)

Gene: PTPN23 (protein tyrosine phosphatase non-receptor type 23; plus strand). Cytogenetic location: 3p21.31.
Variant type: single nucleotide variant.
Coding change: c.2507G>A on transcript NM_015466.4 (MANE Select); coding-DNA position 2507, G replaced by A.
Protein change: p.Arg836Gln; replaces arginine 836 with glutamine.
Molecular consequence: missense variant.
Genome position (GRCh38, 1-based): chr3:47,410,305, G>A. VCF-style: chr3-47410305-G-A. GRCh37 (hg19) VCF-style: chr3-47451795-G-A.
Other names: c.2507G>A (NM_015466.2); c.2129G>A, p.Arg710Gln (NM_001304482.2); short protein forms R710Q, R836Q.
Identifiers: ClinVar variation 3250850 (VCV003250850.19), dbSNP rs767526696.